The following is an entry in ClinVar:

NM_020975.6(RET):c.2686T>A (p.Ser896Thr)

Gene: RET (ret proto-oncogene; plus strand). Cytogenetic location: 10q11.21.
Variant type: single nucleotide variant.
Coding change: c.2686T>A on transcript NM_020975.6 (MANE Select); coding-DNA position 2686, T replaced by A.
Protein change: p.Ser896Thr; replaces serine 896 with threonine.
Molecular consequence: missense variant.
Genome position (GRCh38, 1-based): chr10:43,120,159, T>A. VCF-style: chr10-43120159-T-A. GRCh37 (hg19) VCF-style: chr10-43615607-T-A.
Other names: c.2686T>A, p.Ser896Thr (NM_000323.2, NM_001406743.1, NM_001406744.1 and 4 more transcripts); c.1924T>A, p.Ser642Thr (NM_001355216.2); c.2557T>A, p.Ser853Thr (NM_001406761.1, NM_001406762.1, NM_001406764.1); c.2551T>A, p.Ser851Thr (NM_001406763.1, NM_001406765.1); c.2398T>A, p.Ser800Thr (NM_001406766.1, NM_001406767.1, NM_001406770.1); c.2422T>A, p.Ser808Thr (NM_001406768.1); c.2290T>A, p.Ser764Thr (NM_001406769.1, NM_001406772.1); c.2248T>A, p.Ser750Thr (NM_001406771.1, NM_001406773.1); and 10 more; short protein forms S896T, S642T, S554T, S597T, S808T, S413T, S501T, S552T.
Identifiers: ClinVar variation 1470825 (VCV001470825.9), dbSNP rs2132962610, ClinGen allele CA376557226.
Genomic context (GRCh38, chr10:43,120,159, plus strand): 5'-GCAGCCAGAAACATCCTGGTAGCTGAGGGGCGGAAGATGAAGATTTCGGATTTCGGCTTG[T>A]CCCGAGATGTTTATGAAGAGGATTCCTACGTGAAGAGGAGCCAGGTGCCCAGTCCCGGGG-3'
Protein context (NP_066124.1, residues 886-906): RKMKISDFGL[Ser896Thr]RDVYEEDSYV

ClinVar aggregate classification (germline): Uncertain significance (1 of 4 stars; one submission).

Conditions:
Multiple endocrine neoplasia, type 2 (MEN2). Identifiers: Orphanet 653, MedGen C4048306, MONDO:0019003. Disease mechanism: gain of function.

Submission:

Labcorp Genetics (formerly Invitae), Labcorp
Classification: Uncertain significance for Multiple endocrine neoplasia, type 2. Last evaluated: 2020-12-23. Review status: criteria provided, single submitter. Criteria: Invitae Variant Classification Sherloc (09022015). Collection method: clinical testing. Allele origin: germline.
Comment: This variant has not been reported in the literature in individuals with RET-related conditions. In summary, the available evidence is currently insufficient to determine the role of this variant in disease. Therefore, it has been classified as a Variant of Uncertain Significance. Algorithms developed to predict the effect of missense changes on protein structure and function are either unavailable or do not agree on the potential impact of this missense change (SIFT: "Tolerated"; PolyPhen-2: "Possibly Damaging"; Align-GVGD: "Class C0"). This variant is not present in population databases (ExAC no frequency). This sequence change replaces serine with threonine at codon 896 of the RET protein (p.Ser896Thr). The serine residue is moderately conserved and there is a small physicochemical difference between serine and threonine.